The following is an entry in ClinVar:

NM_003072.5(SMARCA4):c.4928G>T (p.Gly1643Val)

Gene: SMARCA4 (SWI/SNF related BAF chromatin remodeling complex subunit ATPase 4; plus strand). Cytogenetic location: 19p13.2.
Variant type: single nucleotide variant.
Coding change: c.4928G>T on transcript NM_003072.5 (MANE Select); coding-DNA position 4928, G replaced by T.
Protein change: p.Gly1643Val; replaces glycine 1643 with valine.
Molecular consequence: missense variant. On other transcripts: non-coding transcript variant (1).
Genome position (GRCh38, 1-based): chr19:11,061,800, G>T. VCF-style: chr19-11061800-G-T. GRCh37 (hg19) VCF-style: chr19-11172476-G-T.
Other names: c.4928G>T, p.Gly1643Val (NM_001128844.3); c.4838G>T, p.Gly1613Val (NM_001128845.2); c.4835G>T, p.Gly1612Val (NM_001128846.2); c.4829G>T, p.Gly1610Val (NM_001128847.4, NM_001374457.1); c.4826G>T, p.Gly1609Val (NM_001128848.2); c.5024G>T, p.Gly1675Val (NM_001128849.3, NM_001387283.1); c.4925G>T, p.Gly1642Val (NM_001411150.1); short protein forms G1613V, G1675V, G1609V, G1610V, G1612V, G1642V, G1643V.
Identifiers: ClinVar variation 4170188 (VCV004170188.1).

ClinVar aggregate classification (germline): Uncertain significance (1 of 4 stars; one submission).

Conditions:
Hereditary cancer-predisposing syndrome. Also called: Neoplastic Syndromes, Hereditary; Tumor predisposition; Hereditary Cancer Syndrome; Hereditary neoplastic syndrome. Identifiers: Orphanet 140162, MedGen C0027672, MeSH D009386, MONDO:0015356.

Submission:

Ambry Genetics
Classification: Uncertain significance for Hereditary cancer-predisposing syndrome. Last evaluated: 2025-09-06. Review status: criteria provided, single submitter. Criteria: Ambry Variant Classification Scheme 2023. Collection method: clinical testing. Allele origin: germline.
Comment: The p.G1675V variant (also known as c.5024G>T), located in coding exon 35 of the SMARCA4 gene, results from a G to T substitution at nucleotide position 5024. The glycine at codon 1675 is replaced by valine, an amino acid with dissimilar properties. This amino acid position is conserved. In addition, the in silico prediction for this alteration is inconclusive. Based on the available evidence, the clinical significance of this variant remains unclear.